The following is an entry in ClinVar:

ClinVar aggregate classification (germline): Uncertain significance (1 of 4 stars; one submission).

Conditions:
Inborn genetic diseases. Identifiers: MedGen C0950123, MeSH D030342.

Allele frequency attached by ClinVar (database versions not stated): ESP Exome Variant Server 0.00008.
gnomAD v4.1: 2 of 1,610,522 alleles (0.00012%); highest among the groups gnomAD compares: South Asian, 0.0011%; no homozygotes.

Submission:

Ambry Genetics
Classification: Uncertain significance for Inborn genetic diseases. Last evaluated: 2020-03-27. Review status: criteria provided, single submitter. Criteria: Ambry Variant Classification Scheme 2023. Collection method: clinical testing. Allele origin: germline.
Comment: The p.P31T variant (also known as c.91C>A), located in coding exon 1 of the GRIN2A gene, results from a C to A substitution at nucleotide position 91. The proline at codon 31 is replaced by threonine, an amino acid with highly similar properties. This amino acid position is not well conserved in available vertebrate species, and threonine is the reference amino acid in other vertebrate species. In addition, this alteration is predicted to be tolerated by in silico analysis. Since supporting evidence is limited at this time, the clinical significance of this alteration remains unclear.

NM_001134407.3(GRIN2A):c.91C>A (p.Pro31Thr)

Gene: GRIN2A (glutamate ionotropic receptor NMDA type subunit 2A; minus strand). Cytogenetic location: 16p13.2.
Variant type: single nucleotide variant.
Coding change: c.91C>A on transcript NM_001134407.3 (MANE Select); coding-DNA position 91, C replaced by A.
Protein change: p.Pro31Thr; replaces proline 31 with threonine.
Molecular consequence: missense variant.
Genome position (GRCh38, 1-based): chr16:10,180,321, G>T on the plus strand (C>A on the coding strand, the complement: GRIN2A is on the minus strand). VCF-style: chr16-10180321-G-T. GRCh37 (hg19) VCF-style: chr16-10274178-G-T.
Other names: c.91C>A, p.Pro31Thr (NM_000833.5, NM_001134408.2); short protein forms P31T.
Identifiers: ClinVar variation 1766155 (VCV001766155.2), dbSNP rs199942034, ClinGen allele CA277615955.